The following is an entry in ClinVar:

NM_004415.4(DSP):c.1044+3A>C

Gene: DSP (desmoplakin; plus strand). Cytogenetic location: 6p24.3.
Variant type: single nucleotide variant.
Coding change: c.1044+3A>C on transcript NM_004415.4 (MANE Select); 3 bases into the intron after coding-DNA position 1044, A replaced by C.
Molecular consequence: intron variant.
Genome position (GRCh38, 1-based): chr6:7,566,484, A>C. VCF-style: chr6-7566484-A-C. GRCh37 (hg19) VCF-style: chr6-7566717-A-C.
Other names: c.1044+3A>C (LRG_423t1, NM_001319034.2, NM_001008844.3 and 1 more transcripts).
Identifiers: ClinVar variation 432647 (VCV000432647.13), dbSNP rs765089914, ClinGen allele CA645372424.

ClinVar aggregate classification (germline): Uncertain significance. Review status: criteria provided, multiple submitters, no conflicts (2 of 4 stars). 6 submissions from 6 submitters: Uncertain significance (6). Last evaluated 2026-08-18.

Conditions:
DSP-related disorder. Also called: DSP-related disorders; DSP-related condition.
Cardiovascular phenotype. Identifiers: MedGen CN230736.
Cardiomyopathy, dilated, with wooly hair, keratoderma, and tooth agenesis. Also called: Cardiomyopathy, dilated, with woolly hair, keratoderma, and tooth agenesis; Erythrokeratodermia-cardiomyopathy syndrome. Identifiers: Orphanet 476096, Orphanet 65282, MedGen C4014393, MONDO:0014355, OMIM 615821.
Woolly hair-skin fragility syndrome (WHSF). Identifiers: Orphanet 293165, MedGen C1843292, MONDO:0957307, OMIM 620415.
Lethal acantholytic epidermolysis bullosa (EBLA). Identifiers: Orphanet 158687, MedGen C1864826, MONDO:0012323, OMIM 609638.
Arrhythmogenic cardiomyopathy with wooly hair and keratoderma. Also called: PALMOPLANTAR KERATODERMA WITH LEFT VENTRICULAR CARDIOMYOPATHY AND WOOLLY HAIR; Carvajal syndrome; Arrhythmogenic cardiomyopathy with woolly hair and keratoderma; Dilated cardiomyopathy with woolly hair and keratoderma. Identifiers: Orphanet 65282, MedGen C1854063, MONDO:0011581, OMIM 605676.
Keratosis palmoplantaris striata 2. Also called: KERATODERMA, PALMOPLANTAR, STRIATE FORM II; STRIATE PALMOPLANTAR KERATODERMA II; Keratosis palmoplantaris striata II. Identifiers: MedGen C1852127, MONDO:0013034, OMIM 612908.
Arrhythmogenic right ventricular dysplasia 8 (ARVD8). Also called: ARRHYTHMOGENIC RIGHT VENTRICULAR DYSPLASIA, FAMILIAL, 8; ARRHYTHMOGENIC RIGHT VENTRICULAR CARDIOMYOPATHY 8; Arrhythmogenic Right Ventricular Dysplasia/Cardiomyopathy 8. Identifiers: MedGen C1843896, MONDO:0011831, OMIM 607450.

Allele frequency attached by ClinVar (database versions not stated): TOPMed 0.00002.
gnomAD v4.1: 4 of 1,610,484 alleles (0.00025%); highest among the groups gnomAD compares: Non-Finnish European, 0.00034%; no homozygotes.

Submissions (6):

PreventionGenetics, part of Exact Sciences
Classification: Uncertain significance for DSP-related condition. Last evaluated: 2026-08-18. Review status: criteria provided, single submitter. Criteria: ACMG Guidelines, 2015. Collection method: clinical testing. Allele origin: germline.
Comment: The DSP c.1044+3A>C variant is predicted to interfere with splicing. This variant is predicted to impact splicing based on splicing prediction programs (SpliceAI, Jaganathan et al. 2019. PubMed ID: 30661751). However, the use of computer prediction programs is not equivalent to functional evidence. To our knowledge, this variant has not been reported in the literature or in a large population database, indicating this variant is rare. At this time, the clinical significance of this variant is uncertain due to the absence of conclusive functional and genetic evidence.

Labcorp Genetics (formerly Invitae), Labcorp
Classification: Uncertain significance for Arrhythmogenic cardiomyopathy with wooly hair and keratoderma; Arrhythmogenic right ventricular dysplasia 8. Last evaluated: 2025-11-27. Review status: criteria provided, single submitter. Criteria: Invitae Variant Classification Sherloc (09022015). Collection method: clinical testing. Allele origin: germline.
Comment: This sequence change falls in intron 8 of the DSP gene. It does not directly change the encoded amino acid sequence of the DSP protein. It affects a nucleotide within the consensus splice site. This variant is not present in population databases (gnomAD no frequency). This variant has not been reported in the literature in individuals affected with DSP-related conditions. ClinVar contains an entry for this variant (Variation ID: 432647). Variants that disrupt the consensus splice site are a relatively common cause of aberrant splicing (PMID: 17576681, 9536098). Algorithms developed to predict the effect of sequence changes on RNA splicing suggest that this variant may create or strengthen a splice site. In summary, the available evidence is currently insufficient to determine the role of this variant in disease. Therefore, it has been classified as a Variant of Uncertain Significance.

All of Us Research Program, National Institutes of Health
Classification: Uncertain significance for Arrhythmogenic cardiomyopathy with wooly hair and keratoderma. Last evaluated: 2024-04-25. Review status: criteria provided, single submitter. Criteria: ACMG Guidelines, 2015. Collection method: clinical testing. Allele origin: germline. Inheritance: Autosomal dominant inheritance. Observed: 1 variant allele, 1 heterozygote.
Comment: This variant causes an A to C nucleotide substitution at the +3 position of intron 8/23 of the DSP gene. Splice site prediction tools predict that this variant may have a significant impact on RNA splicing. To our knowledge, RNA studies have not been reported for this variant. This variant has not been reported in individuals affected with DSP-related disorders in the literature. This variant has not been identified in the general population by the Genome Aggregation Database (gnomAD). The available evidence is insufficient to determine the role of this variant in disease conclusively. Therefore, this variant is classified as a Variant of Uncertain Significance.

This study involves interpretation of variants in research participants for the purpose of population health screening. Participant phenotype was not available at the time of variant classification. Additional details can be found in publication PMID: 35346344, PMCID: PMC8962531

Ambry Genetics
Classification: Uncertain significance for Cardiovascular phenotype. Last evaluated: 2024-02-07. Review status: criteria provided, single submitter. Criteria: Ambry Variant Classification Scheme 2023. Collection method: clinical testing. Allele origin: germline.
Comment: The c.1044+3A>C intronic variant results from an A to C substitution 3 nucleotides after coding exon 8 in the DSP gene. This nucleotide position is not well conserved in available vertebrate species. In silico splice site analysis predicts that this alteration will result in the creation or strengthening of a novel splice donor site. Based on the available evidence, the clinical significance of this alteration remains unclear.

Fulgent Genetics
Classification: Uncertain significance for Arrhythmogenic cardiomyopathy with wooly hair and keratoderma; Arrhythmogenic right ventricular dysplasia 8; Lethal acantholytic epidermolysis bullosa; Keratosis palmoplantaris striata 2; Cardiomyopathy, dilated, with wooly hair, keratoderma, and tooth agenesis. Last evaluated: 2021-10-25. Review status: criteria provided, single submitter. Criteria: ACMG Guidelines, 2015. Collection method: clinical testing. Allele origin: unknown.

GeneDx
Classification: Uncertain significance. Last evaluated: 2020-02-10. Review status: criteria provided, single submitter. Criteria: GeneDx Variant Classification Process June 2021. Collection method: clinical testing. Allele origin: germline. Affected: yes.
Comment: Has not been previously published as pathogenic or benign to our knowledge; Not observed in large population cohorts (Lek et al., 2016); In silico analysis, which includes splice predictors and evolutionary conservation, suggests this variant may impact gene splicing. In the absence of RNA/functional studies, the actual effect of this sequence change is unknown.

Literature cited by the submitters: PubMed 17576681 (cited by Labcorp Genetics (formerly Invitae), Labcorp); PubMed 9536098 (cited by Labcorp Genetics (formerly Invitae), Labcorp).